The following is an entry in ClinVar:

ClinVar aggregate classification (germline): Uncertain significance (1 of 4 stars; one submission).

Conditions:
Dilated cardiomyopathy 1J (CMD1J). Also called: CARDIOMYOPATHY, DILATED, WITH SENSORINEURAL HEARING LOSS, AUTOSOMAL DOMINANT. Identifiers: Orphanet 217622, MedGen C1854368, MONDO:0011541, OMIM 605362.

Submission:

Labcorp Genetics (formerly Invitae), Labcorp
Classification: Uncertain significance for Dilated cardiomyopathy 1J. Last evaluated: 2023-02-20. Review status: criteria provided, single submitter. Criteria: Invitae Variant Classification Sherloc (09022015). Collection method: clinical testing. Allele origin: germline.
Comment: This sequence change replaces threonine, which is neutral and polar, with arginine, which is basic and polar, at codon 261 of the EYA4 protein (p.Thr261Arg). This variant is not present in population databases (gnomAD no frequency). This variant has not been reported in the literature in individuals affected with EYA4-related conditions. Advanced modeling of protein sequence and biophysical properties (such as structural, functional, and spatial information, amino acid conservation, physicochemical variation, residue mobility, and thermodynamic stability) performed at Invitae indicates that this missense variant is not expected to disrupt EYA4 protein function. In summary, the available evidence is currently insufficient to determine the role of this variant in disease. Therefore, it has been classified as a Variant of Uncertain Significance.

NM_004100.5(EYA4):c.782C>G (p.Thr261Arg)

Gene: EYA4 (EYA transcriptional coactivator and phosphatase 4; plus strand). Cytogenetic location: 6q23.2.
Variant type: single nucleotide variant.
Coding change: c.782C>G on transcript NM_004100.5 (MANE Select); coding-DNA position 782, C replaced by G.
Protein change: p.Thr261Arg; replaces threonine 261 with arginine.
Molecular consequence: missense variant.
Genome position (GRCh38, 1-based): chr6:133,464,836, C>G. VCF-style: chr6-133464836-C-G. GRCh37 (hg19) VCF-style: chr6-133785974-C-G.
Other names: c.620C>G, p.Thr207Arg (NM_001301012.2, NM_001370459.1); c.782C>G, p.Thr261Arg (NM_001301013.2, NM_172105.4); c.713C>G, p.Thr238Arg (NM_001370458.1, NM_172103.4); short protein forms T238R, T261R, T207R.
Identifiers: ClinVar variation 2738014 (VCV002738014.3), dbSNP rs959547878, ClinGen allele CA365701333.